The following is an entry in ClinVar:

NM_199242.3(UNC13D):c.583A>G (p.Ile195Val)

Gene: UNC13D (unc-13 homolog D; minus strand). Cytogenetic location: 17q25.1.
Variant type: single nucleotide variant.
Coding change: c.583A>G on transcript NM_199242.3 (MANE Select); coding-DNA position 583, A replaced by G.
Protein change: p.Ile195Val; replaces isoleucine 195 with valine.
Molecular consequence: missense variant.
Genome position (GRCh38, 1-based): chr17:75,840,988, T>C on the plus strand (A>G on the coding strand, the complement: UNC13D is on the minus strand). VCF-style: chr17-75840988-T-C. GRCh37 (hg19) VCF-style: chr17-73837069-T-C.
Other names: short protein forms I195V.
Identifiers: ClinVar variation 3675737 (VCV003675737.2).

ClinVar aggregate classification (germline): Uncertain significance (1 of 4 stars; one submission).

Conditions:
Familial hemophagocytic lymphohistiocytosis 3 (FHL3). Also called: UNC13D-Related Familial Hemophagocytic Lymphohistiocytosis (UNC13D-fHLH). Identifiers: Orphanet 540, MedGen C1837174, MONDO:0012146, OMIM 608898.

Submission:

Labcorp Genetics (formerly Invitae), Labcorp
Classification: Uncertain significance for Familial hemophagocytic lymphohistiocytosis 3. Last evaluated: 2024-05-12. Review status: criteria provided, single submitter. Criteria: Invitae Variant Classification Sherloc (09022015). Collection method: clinical testing. Allele origin: germline.
Comment: This sequence change replaces isoleucine, which is neutral and non-polar, with valine, which is neutral and non-polar, at codon 195 of the UNC13D protein (p.Ile195Val). This variant is not present in population databases (gnomAD no frequency). This variant has not been reported in the literature in individuals affected with UNC13D-related conditions. An algorithm developed to predict the effect of missense changes on protein structure and function (PolyPhen-2) suggests that this variant is likely to be tolerated. In summary, the available evidence is currently insufficient to determine the role of this variant in disease. Therefore, it has been classified as a Variant of Uncertain Significance.